The following is an entry in ClinVar:

ClinVar aggregate classification (germline): Conflicting classifications of pathogenicity. Review status: criteria provided, conflicting classifications (1 of 4 stars). 2 submissions from 2 submitters: Uncertain significance (1); Likely benign (1). Last evaluated 2023-03-23.

Conditions:
Hereditary breast ovarian cancer syndrome. Also called: Hereditary breast and ovarian cancer syndrome; Hereditary breast and/or ovarian cancer syndrome; BRCA1- and BRCA2-Associated Hereditary Breast and Ovarian Cancer; Hereditary breast and ovarian cancer syndrome (HBOC); Breast and ovarian cancer; Hereditary breast and ovarian cancer. Identifiers: Orphanet 145, MedGen C0677776, MeSH D061325, MONDO:0003582. Disease mechanism: loss of function.
Hereditary cancer-predisposing syndrome. Also called: Hereditary neoplastic syndrome; Hereditary Cancer Syndrome; Tumor predisposition; Neoplastic Syndromes, Hereditary. Identifiers: Orphanet 140162, MedGen C0027672, MeSH D009386, MONDO:0015356.

Submissions (2):

University of Washington Department of Laboratory Medicine, University of Washington
Classification: Likely benign for Hereditary cancer-predisposing syndrome. Last evaluated: 2023-03-23. Review status: criteria provided, single submitter. Criteria: Dines et al. (Genet Med. 2020). Collection method: curation. Allele origin: germline.
Comment: Missense variant in a coldspot region where missense variants are very unlikely to be pathogenic (PMID:31911673).

BRCA2 exon 10 coldspot. Reclassification based on statistical prior probability.

Labcorp Genetics (formerly Invitae), Labcorp
Classification: Uncertain significance for Hereditary breast ovarian cancer syndrome. Last evaluated: 2022-01-15. Review status: criteria provided, single submitter. Criteria: Invitae Variant Classification Sherloc (09022015). Collection method: clinical testing. Allele origin: germline.
Comment: This sequence change replaces proline, which is neutral and non-polar, with serine, which is neutral and polar, at codon 564 of the BRCA2 protein (p.Pro564Ser). In summary, the available evidence is currently insufficient to determine the role of this variant in disease. Therefore, it has been classified as a Variant of Uncertain Significance. Algorithms developed to predict the effect of sequence changes on RNA splicing suggest that this variant may create or strengthen a splice site. Advanced modeling of protein sequence and biophysical properties (such as structural, functional, and spatial information, amino acid conservation, physicochemical variation, residue mobility, and thermodynamic stability) performed at Invitae indicates that this missense variant is not expected to disrupt BRCA2 protein function. This variant has not been reported in the literature in individuals affected with BRCA2-related conditions. This variant is not present in population databases (gnomAD no frequency).

NM_000059.4(BRCA2):c.1690C>T (p.Pro564Ser)

Gene: BRCA2 (BRCA2 DNA repair associated; plus strand). Cytogenetic location: 13q13.1.
Variant type: single nucleotide variant.
Coding change: c.1690C>T on transcript NM_000059.4 (MANE Select); coding-DNA position 1690, C replaced by T.
Protein change: p.Pro564Ser; replaces proline 564 with serine.
Molecular consequence: missense variant.
Genome position (GRCh38, 1-based): chr13:32,333,168, C>T. VCF-style: chr13-32333168-C-T. GRCh37 (hg19) VCF-style: chr13-32907305-C-T.
Other names: short protein forms P564S.
Identifiers: ClinVar variation 1522667 (VCV001522667.7), dbSNP rs2137473929, ClinGen allele CA387765195.